The following is an entry in ClinVar:

NM_016222.4(DDX41):c.1540G>A (p.Glu514Lys)

Gene: DDX41 (DEAD-box helicase 41; minus strand). Cytogenetic location: 5q35.3.
Variant type: single nucleotide variant.
Coding change: c.1540G>A on transcript NM_016222.4 (MANE Select); coding-DNA position 1540, G replaced by A.
Protein change: p.Glu514Lys; replaces glutamic acid 514 with lysine.
Molecular consequence: missense variant.
Genome position (GRCh38, 1-based): chr5:177,512,505, C>T on the plus strand (G>A on the coding strand, the complement: DDX41 is on the minus strand). VCF-style: chr5-177512505-C-T. GRCh37 (hg19) VCF-style: chr5-176939506-C-T.
Other names: c.1162G>A, p.Glu388Lys (NM_001321732.2, NM_001321830.2); short protein forms E388K, E514K.
Identifiers: ClinVar variation 4869666 (VCV004869666.1).

ClinVar aggregate classification (germline): Uncertain significance (1 of 4 stars; one submission).

Conditions:
Inborn genetic diseases. Identifiers: MedGen C0950123, MeSH D030342.

Submission:

Ambry Genetics
Classification: Uncertain significance for Inborn genetic diseases. Last evaluated: 2026-05-05. Review status: criteria provided, single submitter. Criteria: Ambry Variant Classification Scheme 2023. Collection method: clinical testing. Allele origin: germline.
Comment: The p.E514K variant (also known as c.1540G>A), located in coding exon 14 of the DDX41 gene, results from a G to A substitution at nucleotide position 1540. The glutamic acid at codon 514 is replaced by lysine, an amino acid with similar properties. This amino acid position is highly conserved in available vertebrate species. In addition, the in silico prediction for this alteration is inconclusive. Based on the available evidence, the clinical significance of this variant remains unclear.